The following is an entry in ClinVar:

NM_001261413.2(DCTN2):c.322C>T (p.His108Tyr)

Gene: DCTN2 (dynactin subunit 2; minus strand). Cytogenetic location: 12q13.3.
Variant type: single nucleotide variant.
Coding change: c.322C>T on transcript NM_001261413.2 (MANE Select); coding-DNA position 322, C replaced by T.
Protein change: p.His108Tyr; replaces histidine 108 with tyrosine.
Molecular consequence: missense variant. On other transcripts: non-coding transcript variant (1).
Genome position (GRCh38, 1-based): chr12:57,535,097, G>A on the plus strand (C>T on the coding strand, the complement: DCTN2 is on the minus strand). VCF-style: chr12-57535097-G-A. GRCh37 (hg19) VCF-style: chr12-57928880-G-A.
Other names: c.328C>T, p.His110Tyr (NM_001261412.2); c.457C>T, p.His153Tyr (NM_001348065.2); c.253C>T, p.His85Tyr (NM_001348066.2); c.61C>T, p.His21Tyr (NM_001348067.2, NM_001348068.2); c.337C>T, p.His113Tyr (NM_006400.5); short protein forms H113Y, H110Y, H21Y, H108Y, H85Y, H153Y.
Identifiers: ClinVar variation 217860 (VCV000217860.2), dbSNP rs863223327, ClinGen allele CA279631.
Genomic context (GRCh38, chr12:57,535,097, plus strand): 5'-GAAGAGAGTTTGTAGTTACCTTGATTTTTTCAACTTCAGTTGTCAGCTCTTGGACCTCAT[G>A]CAGTAGGCGCTGGTACTTTTGCTGGGGTGTCTCCTTCACTCCCAGACCCTCTCCAAGCTA-3'
Protein context (NP_001248342.1, residues 98-118): TPQQKYQRLL[His108Tyr]EVQELTTEVE

ClinVar aggregate classification (germline): Uncertain significance (0 of 4 stars; one submission).

Conditions:
Charcot-Marie-Tooth disease. Also called: Charcot-Marie-Tooth Hereditary Neuropathy; Charcot-Marie-Tooth Neuropathy. Identifiers: Orphanet 166, MedGen C0007959, MONDO:0015626.

Allele frequency attached by ClinVar (database versions not stated): gnomAD exomes below 0.00001; TOPMed below 0.00001.
gnomAD v4.1: 2 of 1,613,770 alleles (0.00012%); highest among the groups gnomAD compares: Non-Finnish European, 0.00017%; no homozygotes.

Submission:

Dept. of Medical Genetics, Telemark Hospital Trust, Telemark Hospital Trust
Classification: Uncertain significance for Charcot-Marie-Tooth disease. Last evaluated: 2015-12-14. Review status: no assertion criteria provided. Collection method: research. Allele origin: inherited. Affected: yes. Study: Charcot-Marie-Tooth disease study.
Comment: Novel variant, present in five affected family members with intermediate type Charcot-Marie-Tooth disease, not in three unaffected family members

Populational based study of Charcot-Marie-Tooth disease in Norway

Literature cited by the submitters: PMC 4306395; PubMed 26517670.